The following is an entry in ClinVar:

NM_001197104.2(KMT2A):c.9677T>C (p.Ile3226Thr)

Gene: KMT2A (lysine methyltransferase 2A; plus strand). Cytogenetic location: 11q23.3.
Variant type: single nucleotide variant.
Coding change: c.9677T>C on transcript NM_001197104.2 (MANE Select); coding-DNA position 9677, T replaced by C.
Protein change: p.Ile3226Thr; replaces isoleucine 3226 with threonine.
Molecular consequence: missense variant.
Genome position (GRCh38, 1-based): chr11:118,505,569, T>C. VCF-style: chr11-118505569-T-C. GRCh37 (hg19) VCF-style: chr11-118376284-T-C.
Other names: c.9767T>C, p.Ile3256Thr (NM_001412597.1); c.9668T>C, p.Ile3223Thr (NM_005933.4); short protein forms I3223T, I3226T, I3256T.
Identifiers: ClinVar variation 4769199 (VCV004769199.1).

ClinVar aggregate classification (germline): Uncertain significance (1 of 4 stars; one submission).

Submission:

Labcorp Genetics (formerly Invitae), Labcorp
Classification: Uncertain significance. Last evaluated: 2025-10-07. Review status: criteria provided, single submitter. Criteria: Invitae Variant Classification Sherloc (09022015). Collection method: clinical testing. Allele origin: germline.
Comment: This sequence change replaces isoleucine, which is neutral and non-polar, with threonine, which is neutral and polar, at codon 3226 of the KMT2A protein (p.Ile3226Thr). This variant is present in population databases (no rsID available, gnomAD 0.0009%). This variant has not been reported in the literature in individuals affected with KMT2A-related conditions. Invitae Evidence Modeling of protein sequence and biophysical properties (such as structural, functional, and spatial information, amino acid conservation, physicochemical variation, residue mobility, and thermodynamic stability) has been performed for this missense variant. However, the output from this modeling did not meet the statistical confidence thresholds required to predict the impact of this variant on KMT2A protein function. In summary, the available evidence is currently insufficient to determine the role of this variant in disease. Therefore, it has been classified as a Variant of Uncertain Significance.